The following is an entry in ClinVar:

NM_002063.4(GLRA2):c.1172C>T (p.Ala391Val)

Genes: FANCB (FA complementation group B; minus strand), GLRA2 (glycine receptor alpha 2; plus strand). Cytogenetic location: Xp22.2.
Variant type: single nucleotide variant.
Coding change: c.1172C>T on transcript NM_002063.4 (MANE Select); coding-DNA position 1172, C replaced by T.
Protein change: p.Ala391Val; replaces alanine 391 with valine.
Molecular consequence: missense variant.
Genome position (GRCh38, 1-based): chrX:14,730,298, C>T. VCF-style: chrX-14730298-C-T. GRCh37 (hg19) VCF-style: chrX-14748420-C-T.
Other names: c.1172C>T, p.Ala391Val (NM_001118885.2, NM_001118886.2); c.905C>T, p.Ala302Val (NM_001171942.2); short protein forms A302V, A391V.
Identifiers: ClinVar variation 3046679 (VCV003046679.10), dbSNP rs144022438, ClinGen allele CA10352864.

ClinVar aggregate classification (germline): Likely benign. Review status: criteria provided, single submitter (1 of 4 stars). 2 submissions from 2 submitters: Likely benign (1). 1 of the submissions does not count toward it. Last evaluated 2025-08-01.

Conditions:
GLRA2-related disorder. Also called: GLRA2-related condition.

Allele frequency attached by ClinVar (database versions not stated): ExAC 0.00040; gnomAD 0.00068; TOPMed 0.00078; 1000 Genomes Project 30x 0.00083; 1000 Genomes Project 0.00106; ESP Exome Variant Server 0.00133.
gnomAD v4.1: 148 of 1,205,998 alleles (0.012%); highest among the groups gnomAD compares: African/African-American, 0.24%; no homozygotes.

Submissions (2):

CeGaT Center for Human Genetics Tuebingen
Classification: Likely benign. Last evaluated: 2025-08-01. Review status: criteria provided, single submitter. Criteria: CeGaT Center For Human Genetics Tuebingen Variant Classification Criteria Version 2. Collection method: clinical testing. Allele origin: germline. Affected: yes. Observed: 1 variant allele.
Comment: GLRA2: BP4, BS2

PreventionGenetics, part of Exact Sciences
Classification: Likely benign for GLRA2-related condition. Last evaluated: 2023-06-06. Review status: no assertion criteria provided. Collection method: clinical testing. Allele origin: germline. Not counted in ClinVar's aggregate classification.
Comment: This variant is classified as likely benign based on ACMG/AMP sequence variant interpretation guidelines (Richards et al. 2015 PMID: 25741868, with internal and published modifications).